The following is an entry in ClinVar:

ClinVar aggregate classification (germline): Uncertain significance (1 of 4 stars; one submission).

Conditions:
Developmental and epileptic encephalopathy. Identifiers: MedGen C5779964, MONDO:0100620.

Allele frequency attached by ClinVar (database versions not stated): gnomAD below 0.00001 and 0.00001; gnomAD exomes 0.00001; ExAC 0.00002.
gnomAD v4.1: 6 of 1,613,926 alleles (0.00037%); highest among the groups gnomAD compares: South Asian, 0.0066%; no homozygotes.

Submission:

Labcorp Genetics (formerly Invitae), Labcorp
Classification: Uncertain significance for Early-infantile DEE. Last evaluated: 2021-09-01. Review status: criteria provided, single submitter. Criteria: Invitae Variant Classification Sherloc (09022015). Collection method: clinical testing. Allele origin: germline.
Comment: This sequence change replaces asparagine with lysine at codon 1034 of the SPTAN1 protein (p.Asn1034Lys). The asparagine residue is highly conserved and there is a moderate physicochemical difference between asparagine and lysine. This variant is present in population databases (rs760755333, ExAC 0.01%). This variant has not been reported in the literature in individuals affected with SPTAN1-related conditions. Algorithms developed to predict the effect of missense changes on protein structure and function are either unavailable or do not agree on the potential impact of this missense change (SIFT: "Deleterious"; PolyPhen-2: "Possibly Damaging"; Align-GVGD: "Class C0"). In summary, the available evidence is currently insufficient to determine the role of this variant in disease. Therefore, it has been classified as a Variant of Uncertain Significance.

NM_001130438.3(SPTAN1):c.3102T>A (p.Asn1034Lys)

Gene: SPTAN1 (spectrin alpha, non-erythrocytic 1; plus strand). Cytogenetic location: 9q34.11.
Variant type: single nucleotide variant.
Coding change: c.3102T>A on transcript NM_001130438.3 (MANE Select); coding-DNA position 3102, T replaced by A.
Protein change: p.Asn1034Lys; replaces asparagine 1034 with lysine.
Molecular consequence: missense variant.
Genome position (GRCh38, 1-based): chr9:128,591,572, T>A. VCF-style: chr9-128591572-T-A. GRCh37 (hg19) VCF-style: chr9-131353851-T-A.
Other names: c.3102T>A, p.Asn1034Lys (NM_001195532.2, NM_001363759.2, NM_001363765.2 and 5 more transcripts); c.3138T>A, p.Asn1046Lys (NM_001375312.2, NM_001375318.1); short protein forms N1034K, N1046K.
Identifiers: ClinVar variation 1036637 (VCV001036637.7), dbSNP rs760755333, ClinGen allele CA5264825.